The following is an entry in ClinVar:

ClinVar aggregate classification (germline): Uncertain significance (1 of 4 stars; one submission).

Conditions:
Atrial fibrillation, familial, 14 (ATFB14). Identifiers: MedGen C3809312, MONDO:0014156, OMIM 615378.

Allele frequency attached by ClinVar (database versions not stated): gnomAD exomes below 0.00001; TOPMed below 0.00001.
gnomAD v4.1: 4 of 1,612,986 alleles (0.00025%); highest among the groups gnomAD compares: Non-Finnish European, 0.00034%; no homozygotes.

Submission:

Labcorp Genetics (formerly Invitae), Labcorp
Classification: Uncertain significance for Atrial fibrillation, familial, 14. Last evaluated: 2021-10-28. Review status: criteria provided, single submitter. Criteria: Invitae Variant Classification Sherloc (09022015). Collection method: clinical testing. Allele origin: germline.
Comment: This sequence change falls in intron 3 of the SCN2B gene. It does not directly change the encoded amino acid sequence of the SCN2B protein. It affects a nucleotide within the consensus splice site. In summary, the available evidence is currently insufficient to determine the role of this variant in disease. Therefore, it has been classified as a Variant of Uncertain Significance. Variants that disrupt the consensus splice site are a relatively common cause of aberrant splicing (PMID: 17576681, 9536098). Algorithms developed to predict the effect of sequence changes on RNA splicing suggest that this variant is not likely to affect RNA splicing. This variant has not been reported in the literature in individuals affected with SCN2B-related conditions. This variant is not present in population databases (gnomAD no frequency).

Literature cited by the submitters: PubMed 17576681; PubMed 9536098.

NM_004588.5(SCN2B):c.448+6G>C

Gene: SCN2B (sodium voltage-gated channel beta subunit 2; minus strand). Cytogenetic location: 11q23.3.
Variant type: single nucleotide variant.
Coding change: c.448+6G>C on transcript NM_004588.5 (MANE Select); 6 bases into the intron after coding-DNA position 448, G replaced by C.
Molecular consequence: intron variant.
Genome position (GRCh38, 1-based): chr11:118,168,079, C>G on the plus strand (G>C on the coding strand, the complement: SCN2B is on the minus strand). VCF-style: chr11-118168079-C-G. GRCh37 (hg19) VCF-style: chr11-118038794-C-G.
Identifiers: ClinVar variation 1403985 (VCV001403985.6), dbSNP rs1948399268, ClinGen allele CA2003377672.
Genomic context (GRCh38, chr11:118,168,079, plus strand): 5'-CAAATGCCGCAGAGAGTAGGTGGGTGGGAAAGGTCAGGGCCCCGCAGCTGGCACCCCAGC[C>G]TTCACCTTCCATGAGGACCTGCAGATGGATCTTGCCATGGCCACGGTGGCGGTCAGGGGG-3'